The following is an entry in ClinVar:

NM_000090.4(COL3A1):c.4064C>A (p.Ala1355Glu)

Gene: COL3A1 (collagen type III alpha 1 chain; plus strand). Cytogenetic location: 2q32.2.
Variant type: single nucleotide variant.
Coding change: c.4064C>A on transcript NM_000090.4 (MANE Select); coding-DNA position 4064, C replaced by A.
Protein change: p.Ala1355Glu; replaces alanine 1355 with glutamic acid.
Molecular consequence: missense variant.
Genome position (GRCh38, 1-based): chr2:189,010,700, C>A. VCF-style: chr2-189010700-C-A. GRCh37 (hg19) VCF-style: chr2-189875426-C-A.
Other names: short protein forms A1355E.
Identifiers: ClinVar variation 4800337 (VCV004800337.1).

ClinVar aggregate classification (germline): Uncertain significance (1 of 4 stars; one submission).

Conditions:
Ehlers-Danlos syndrome, type 4 (EDSVASC). Also called: Ehlers-Danlos syndrome vascular type; Ehlers Danlos syndrome, ecchymotic type; Ehlers Danlos syndrome, arterial type; Ehlers Danlos syndrome, Sack-Barabas type; Ehlers-Danlos Syndrome Type IV. Identifiers: Orphanet 286, MedGen C0268338, MONDO:0017314, OMIM 130050.

Submission:

Labcorp Genetics (formerly Invitae), Labcorp
Classification: Uncertain significance for Ehlers-Danlos syndrome, type 4. Last evaluated: 2025-09-20. Review status: criteria provided, single submitter. Criteria: Invitae Variant Classification Sherloc (09022015). Collection method: clinical testing. Allele origin: germline.
Comment: This sequence change replaces alanine, which is neutral and non-polar, with glutamic acid, which is acidic and polar, at codon 1355 of the COL3A1 protein (p.Ala1355Glu). This variant is not present in population databases (gnomAD no frequency). This variant has not been reported in the literature in individuals affected with COL3A1-related conditions. Invitae Evidence Modeling of protein sequence and biophysical properties (such as structural, functional, and spatial information, amino acid conservation, physicochemical variation, residue mobility, and thermodynamic stability) indicates that this missense variant is not expected to disrupt COL3A1 protein function with a negative predictive value of 95%. In summary, the available evidence is currently insufficient to determine the role of this variant in disease. Therefore, it has been classified as a Variant of Uncertain Significance.